The following is an entry in ClinVar:

NM_002317.7(LOX):c.840C>T (p.Ser280=)

Genes: LOX (lysyl oxidase; minus strand), SRFBP1 (serum response factor binding protein 1; plus strand). Cytogenetic location: 5q23.1.
Variant type: single nucleotide variant.
Coding change: c.840C>T on transcript NM_002317.7 (MANE Select); coding-DNA position 840, C replaced by T.
Protein change: p.Ser280=; no amino-acid change (serine 280 retained).
Molecular consequence: synonymous variant. On other transcripts: 5 prime UTR variant (1).
Genome position (GRCh38, 1-based): chr5:122,075,442, G>A on the plus strand (C>T on the coding strand, the complement: LOX is on the minus strand). VCF-style: chr5-122075442-G-A. GRCh37 (hg19) VCF-style: chr5-121411137-G-A.
Other names: c.840C>T (NM_002317.6); c.150C>T, p.Ser50= (NM_001178102.2); c.-52C>T (NM_001317073.1).
Identifiers: ClinVar variation 1763280 (VCV001763280.9), dbSNP rs370861938, ClinGen allele CA3383928.

ClinVar aggregate classification (germline): Likely benign. Review status: criteria provided, multiple submitters, no conflicts (2 of 4 stars). 3 submissions from 3 submitters: Likely benign (2). 1 of the submissions does not count toward it. Last evaluated 2025-11-18.

Conditions:
Cardiovascular phenotype. Identifiers: MedGen CN230736.
LOX-related disorder. Also called: LOX-related condition; LOX-related disorders.

Allele frequency attached by ClinVar (database versions not stated): ESP Exome Variant Server 0.00008.
gnomAD v4.1: 97 of 1,613,512 alleles (0.006%); highest among the groups gnomAD compares: Non-Finnish European, 0.007%; no homozygotes.

Submissions (3):

Labcorp Genetics (formerly Invitae), Labcorp
Classification: Likely benign. Last evaluated: 2025-11-18. Review status: criteria provided, single submitter. Criteria: Invitae Variant Classification Sherloc (09022015). Collection method: clinical testing. Allele origin: germline.

Ambry Genetics
Classification: Likely benign for Cardiovascular phenotype. Last evaluated: 2020-03-16. Review status: criteria provided, single submitter. Criteria: Ambry Variant Classification Scheme 2023. Collection method: clinical testing. Allele origin: germline.

PreventionGenetics, part of Exact Sciences
Classification: Likely benign for LOX-related condition. Last evaluated: 2022-02-22. Review status: no assertion criteria provided. Collection method: clinical testing. Allele origin: germline. Not counted in ClinVar's aggregate classification.
Comment: This variant is classified as likely benign based on ACMG/AMP sequence variant interpretation guidelines (Richards et al. 2015 PMID: 25741868, with internal and published modifications).